The following is an entry in ClinVar:

NM_017763.6(RNF43):c.2157C>T (p.Tyr719=)

Gene: RNF43 (ring finger protein 43; minus strand). Cytogenetic location: 17q22.
Variant type: single nucleotide variant.
Coding change: c.2157C>T on transcript NM_017763.6 (MANE Select); coding-DNA position 2157, C replaced by T.
Protein change: p.Tyr719=; no amino-acid change (tyrosine 719 retained).
Molecular consequence: synonymous variant.
Genome position (GRCh38, 1-based): chr17:58,357,619, G>A on the plus strand (C>T on the coding strand, the complement: RNF43 is on the minus strand). VCF-style: chr17-58357619-G-A. GRCh37 (hg19) VCF-style: chr17-56434980-G-A.
Other names: c.2157C>T, p.Tyr719= (NM_001305544.3); c.1776C>T, p.Tyr592= (NM_001305545.2).
Identifiers: ClinVar variation 3946872 (VCV003946872.3).

ClinVar aggregate classification (germline): Benign/Likely benign. Review status: criteria provided, multiple submitters, no conflicts (2 of 4 stars). 3 submissions from 3 submitters: Benign (1); Likely benign (2). Last evaluated 2026-07-02.

Conditions:
Sessile serrated polyposis cancer syndrome (SSPCS). Identifiers: Orphanet 157798, MedGen C4310714, MONDO:0014919, OMIM 617108.

gnomAD v4.1: 2 of 1,614,112 alleles (0.00012%); highest among the groups gnomAD compares: African/African-American, 0.0013%; no homozygotes.

Submissions (3):

Myriad Genetics, Inc.
Classification: Benign for Sessile serrated polyposis cancer syndrome. Last evaluated: 2026-07-02. Review status: criteria provided, single submitter. Criteria: Myriad Autosomal Dominant, Autosomal Recessive and X-Linked Classification Criteria (2023). Collection method: clinical testing. Allele origin: unknown.
Comment: This variant is considered benign. This variant is a silent/synonymous amino acid change and it is not expected to impact splicing.

Labcorp Genetics (formerly Invitae), Labcorp
Classification: Likely benign. Last evaluated: 2025-08-11. Review status: criteria provided, single submitter. Criteria: Invitae Variant Classification Sherloc (09022015). Collection method: clinical testing. Allele origin: germline.

Ambry Genetics
Classification: Likely benign. Last evaluated: 2025-04-25. Review status: criteria provided, single submitter. Criteria: Ambry Variant Classification Scheme 2023. Collection method: clinical testing. Allele origin: germline.